The following is an entry in ClinVar:

ClinVar aggregate classification (germline): Uncertain significance (1 of 4 stars; one submission).

Allele frequency attached by ClinVar (database versions not stated): gnomAD 0.00007; TOPMed 0.00003; gnomAD exomes 0.00010.
gnomAD v4.1: 144 of 1,514,810 alleles (0.0095%); highest among the groups gnomAD compares: Non-Finnish European, 0.012%; no homozygotes.

Submission:

Ambry Genetics
Classification: Uncertain significance. Last evaluated: 2026-03-26. Review status: criteria provided, single submitter. Criteria: Ambry Variant Classification Scheme 2023. Collection method: clinical testing. Allele origin: germline.
Comment: The c.2568C>G (p.D856E) alteration is located in exon 19 (coding exon 19) of the CACNA1B gene. This alteration results from a C to G substitution at nucleotide position 2568, causing the aspartic acid (D) at amino acid position 856 to be replaced by a glutamic acid (E). Based on data from gnomAD, the G allele has an overall frequency of 0.005% (7/140162) total alleles studied. The highest observed frequency was 0.012% (7/56628) of European (non-Finnish) alleles. Based on insufficient or conflicting evidence, the clinical significance of this alteration remains unclear.

NM_000718.4(CACNA1B):c.2568C>G (p.Asp856Glu)

Gene: CACNA1B (calcium voltage-gated channel subunit alpha1 B; plus strand). Cytogenetic location: 9q34.3.
Variant type: single nucleotide variant.
Coding change: c.2568C>G on transcript NM_000718.4 (MANE Select); coding-DNA position 2568, C replaced by G.
Protein change: p.Asp856Glu; replaces aspartic acid 856 with glutamic acid.
Molecular consequence: missense variant.
Genome position (GRCh38, 1-based): chr9:138,023,311, C>G. VCF-style: chr9-138023311-C-G. GRCh37 (hg19) VCF-style: chr9-140917763-C-G.
Other names: c.2568C>G, p.Asp856Glu (NM_001243812.2); short protein forms D856E.
Identifiers: ClinVar variation 3136313 (VCV003136313.2), dbSNP rs1400846152, ClinGen allele CA375809665.
Genomic context (GRCh38, chr9:138,023,311, plus strand): 5'-TGAGGCTGCGGAGGCCCCCGAGGGCGTCGACCCTCCGCGCAGGCACCACCGGCACCGCGA[C>G]AAGGACAAGACCCCCGCGGCGGGGGACCAGGACCGAGCAGAGGCCCCGAAGGCGGAGAGC-3'
Protein context (NP_000709.1, residues 846-866): DPPRRHHRHR[Asp856Glu]KDKTPAAGDQ